The following is an entry in ClinVar:

ClinVar aggregate classification (germline): Likely benign (1 of 4 stars; one submission).

Submission:

CeGaT Center for Human Genetics Tuebingen
Classification: Likely benign. Last evaluated: 2024-07-01. Review status: criteria provided, single submitter. Criteria: CeGaT Center For Human Genetics Tuebingen Variant Classification Criteria Version 2. Collection method: clinical testing. Allele origin: germline. Affected: yes. Observed: 1 variant allele.
Comment: TRIO: BP4, BP7

NM_007118.4(TRIO):c.7311G>A (p.Ala2437=)

Gene: TRIO (trio Rho guanine nucleotide exchange factor; plus strand). Cytogenetic location: 5p15.2.
Variant type: single nucleotide variant.
Coding change: c.7311G>A on transcript NM_007118.4 (MANE Select); coding-DNA position 7311, G replaced by A.
Protein change: p.Ala2437=; no amino-acid change (alanine 2437 retained).
Molecular consequence: synonymous variant.
Genome position (GRCh38, 1-based): chr5:14,487,939, G>A. VCF-style: chr5-14487939-G-A. GRCh37 (hg19) VCF-style: chr5-14488048-G-A.
Identifiers: ClinVar variation 3257126 (VCV003257126.17).